The following is an entry in ClinVar:

NM_001004476.2(OR10K2):c.157A>G (p.Arg53Gly)

Gene: OR10K2 (olfactory receptor family 10 subfamily K member 2; minus strand). Cytogenetic location: 1q23.1.
Variant type: single nucleotide variant.
Coding change: c.157A>G on transcript NM_001004476.2 (MANE Select); coding-DNA position 157, A replaced by G.
Protein change: p.Arg53Gly; replaces arginine 53 with glycine.
Molecular consequence: missense variant.
Genome position (GRCh38, 1-based): chr1:158,420,710, T>C on the plus strand (A>G on the coding strand, the complement: OR10K2 is on the minus strand). VCF-style: chr1-158420710-T-C. GRCh37 (hg19) VCF-style: chr1-158390500-T-C.
Other names: short protein forms R53G.
Identifiers: ClinVar variation 91921 (VCV000091921.2), dbSNP rs386352340, ClinGen allele CA232163.

ClinVar aggregate classification (germline): Uncertain significance (0 of 4 stars; one submission).

Allele frequency attached by ClinVar (database versions not stated): TOPMed below 0.00001.

Submission:

Richard Lifton Laboratory, Yale University School of Medicine
Classification: Uncertain significance. Review status: no assertion criteria provided. Collection method: not provided. Allele origin: somatic.
Comment: OR10K2
ClinVar note: Converted during submission from unknown to Uncertain significance.